The following is an entry in ClinVar:

NM_000384.3(APOB):c.6271G>C (p.Val2091Leu)

Gene: APOB (apolipoprotein B; minus strand). Cytogenetic location: 2p24.1.
Variant type: single nucleotide variant.
Coding change: c.6271G>C on transcript NM_000384.3 (MANE Select); coding-DNA position 6271, G replaced by C.
Protein change: p.Val2091Leu; replaces valine 2091 with leucine.
Molecular consequence: missense variant.
Genome position (GRCh38, 1-based): chr2:21,010,597, C>G on the plus strand (G>C on the coding strand, the complement: APOB is on the minus strand). VCF-style: chr2-21010597-C-G. GRCh37 (hg19) VCF-style: chr2-21233469-C-G.
Other names: short protein forms V2091L.
Identifiers: ClinVar variation 2451324 (VCV002451324.2), dbSNP rs757141693, ClinGen allele CA346002127.

ClinVar aggregate classification (germline): Uncertain significance (1 of 4 stars; one submission).

Conditions:
Cardiovascular phenotype. Identifiers: MedGen CN230736.

Submission:

Ambry Genetics
Classification: Uncertain significance for Cardiovascular phenotype. Last evaluated: 2023-02-05. Review status: criteria provided, single submitter. Criteria: Ambry Variant Classification Scheme 2023. Collection method: clinical testing. Allele origin: germline.
Comment: The p.V2091L variant (also known as c.6271G>C), located in coding exon 26 of the APOB gene, results from a G to C substitution at nucleotide position 6271. The valine at codon 2091 is replaced by leucine, an amino acid with highly similar properties. This amino acid position is conserved. In addition, this alteration is predicted to be tolerated by in silico analysis. Since supporting evidence is limited at this time, the clinical significance of this alteration remains unclear.